The following is an entry in ClinVar:

ClinVar aggregate classification (germline): Uncertain significance. Review status: criteria provided, multiple submitters, no conflicts (2 of 4 stars). 2 submissions from 2 submitters: Uncertain significance (2). Last evaluated 2025-08-14.

Conditions:
Familial temporal lobe epilepsy 8. Identifiers: Orphanet 101046, MedGen C4225318, MONDO:0014650, OMIM 616461.

Allele frequency attached by ClinVar (database versions not stated): gnomAD exomes below 0.00001; ExAC 0.00001; gnomAD 0.00001.
gnomAD v4.1: 7 of 1,609,204 alleles (0.00043%); highest among the groups gnomAD compares: South Asian, 0.0022%; no homozygotes.

Submissions (2):

Ambry Genetics
Classification: Uncertain significance. Last evaluated: 2025-08-14. Review status: criteria provided, single submitter. Criteria: Ambry Variant Classification Scheme 2023. Collection method: clinical testing. Allele origin: germline.

Labcorp Genetics (formerly Invitae), Labcorp
Classification: Uncertain significance for Familial temporal lobe epilepsy 8. Last evaluated: 2019-04-13. Review status: criteria provided, single submitter. Criteria: Invitae Variant Classification Sherloc (09022015). Collection method: clinical testing. Allele origin: germline.
Comment: This variant is present in population databases (rs766211433, ExAC 0.008%). In summary, the available evidence is currently insufficient to determine the role of this variant in disease. Therefore, it has been classified as a Variant of Uncertain Significance. Algorithms developed to predict the effect of missense changes on protein structure and function (SIFT, PolyPhen-2, Align-GVGD) all suggest that this variant is likely to be tolerated, but these predictions have not been confirmed by published functional studies and their clinical significance is uncertain. This variant has not been reported in the literature in individuals with GAL-related conditions. This sequence change replaces alanine with threonine at codon 10 of the GAL protein (p.Ala10Thr). The alanine residue is weakly conserved and there is a small physicochemical difference between alanine and threonine.

NM_015973.5(GAL):c.28G>A (p.Ala10Thr)

Gene: GAL (galanin and GMAP prepropeptide; plus strand). Cytogenetic location: 11q13.2.
Variant type: single nucleotide variant.
Coding change: c.28G>A on transcript NM_015973.5 (MANE Select); coding-DNA position 28, G replaced by A.
Protein change: p.Ala10Thr; replaces alanine 10 with threonine.
Molecular consequence: missense variant.
Genome position (GRCh38, 1-based): chr11:68,684,951, G>A. VCF-style: chr11-68684951-G-A. GRCh37 (hg19) VCF-style: chr11-68452419-G-A.
Other names: short protein forms A10T.
Identifiers: ClinVar variation 838372 (VCV000838372.9), dbSNP rs766211433, ClinGen allele CA6151399.
Genomic context (GRCh38, chr11:68,684,951, plus strand): 5'-TTCCGACCCGCCCGCCCTGTCCTTCCCTTCCAGATGGCCCGAGGCAGCGCCCTCCTGCTC[G>A]CCTCCCTCCTCCTCGCCGCGGCCCTTTCTGCCTCTGCGGGGCTCTGGTCGCCGGTAAGTG-3'
Protein context (NP_057057.2, residues 1-20): MARGSALLL[Ala10Thr]SLLLAAALSA